The following is an entry in ClinVar:

NM_001130823.3(DNMT1):c.949G>A (p.Glu317Lys)

Gene: DNMT1 (DNA methyltransferase 1; minus strand). Cytogenetic location: 19p13.2.
Variant type: single nucleotide variant.
Coding change: c.949G>A on transcript NM_001130823.3 (MANE Select); coding-DNA position 949, G replaced by A.
Protein change: p.Glu317Lys; replaces glutamic acid 317 with lysine.
Molecular consequence: missense variant.
Genome position (GRCh38, 1-based): chr19:10,162,726, C>T on the plus strand (G>A on the coding strand, the complement: DNMT1 is on the minus strand). VCF-style: chr19-10162726-C-T. GRCh37 (hg19) VCF-style: chr19-10273402-C-T.
Other names: c.901G>A, p.Glu301Lys (NM_001318730.2, NM_001379.4); c.586G>A, p.Glu196Lys (NM_001318731.2); short protein forms E317K, E196K, E301K.
Identifiers: ClinVar variation 2747969 (VCV002747969.3), dbSNP rs2513844810, ClinGen allele CA403940833.
Genomic context (GRCh38, chr19:10,162,726, plus strand): 5'-CCTTTTCATCCTCGTCTTTTTCATCAGAAATCTGTGGATTTACTTTTTCAGGTTCTTTTT[C>T]TTCGGGCCTCCGTTTGGCAGCTCTGCAGGGTGAACAGATACACAGCAAGTAGCAGCTTAG-3'
Protein context (NP_001124295.1, residues 307-327): KDLAAKRRPE[Glu317Lys]KEPEKVNPQI

ClinVar aggregate classification (germline): Uncertain significance (1 of 4 stars; one submission).

Conditions:
Hereditary sensory neuropathy-deafness-dementia syndrome. Also called: NEUROPATHY, HEREDITARY SENSORY, WITH HEARING LOSS AND DEMENTIA; Hereditary Sensory and Autonomic Neuropathy Type 1E (HSAN1E); HSN IE; Hereditary sensory neuropathy type IE. Identifiers: Orphanet 456318, MedGen C3279885, MONDO:0013584, OMIM 614116.

Submission:

Labcorp Genetics (formerly Invitae), Labcorp
Classification: Uncertain significance for Hereditary sensory neuropathy-deafness-dementia syndrome. Last evaluated: 2023-07-28. Review status: criteria provided, single submitter. Criteria: Invitae Variant Classification Sherloc (09022015). Collection method: clinical testing. Allele origin: germline.
Comment: This sequence change replaces glutamic acid, which is acidic and polar, with lysine, which is basic and polar, at codon 317 of the DNMT1 protein (p.Glu317Lys). This variant is not present in population databases (gnomAD no frequency). This variant has not been reported in the literature in individuals affected with DNMT1-related conditions. Algorithms developed to predict the effect of missense changes on protein structure and function output the following: SIFT: "Not Available"; PolyPhen-2: "Benign"; Align-GVGD: "Not Available". The lysine amino acid residue is found in multiple mammalian species, which suggests that this missense change does not adversely affect protein function. In summary, the available evidence is currently insufficient to determine the role of this variant in disease. Therefore, it has been classified as a Variant of Uncertain Significance.